The following is an entry in ClinVar:

NM_000540.3(RYR1):c.3619G>A (p.Val1207Met)

Gene: RYR1 (ryanodine receptor 1; plus strand). Cytogenetic location: 19q13.2.
Variant type: single nucleotide variant.
Coding change: c.3619G>A on transcript NM_000540.3 (MANE Select); coding-DNA position 3619, G replaced by A.
Protein change: p.Val1207Met; replaces valine 1207 with methionine.
Molecular consequence: missense variant.
Genome position (GRCh38, 1-based): chr19:38,469,367, G>A. VCF-style: chr19-38469367-G-A. GRCh37 (hg19) VCF-style: chr19-38960007-G-A.
Other names: c.3619G>A, p.Val1207Met (NM_001042723.2); short protein forms V1207M.
Identifiers: ClinVar variation 544419 (VCV000544419.44), dbSNP rs760235443, ClinGen allele CA065057.
Genomic context (GRCh38, chr19:38,469,367, plus strand): 5'-TTCCTGCCCGTCTGCAGCTTGGGACCTGGCCAGGTGGGTCATCTGAACCTGGGCCAGGAC[G>A]TGAGCTCTCTGAGGTTCTTTGCCATCTGTGGCCTCCAGGAAGGCTTCGAGCCATTTGCCA-3'
Protein context (NP_000531.2, residues 1197-1217): QVGHLNLGQD[Val1207Met]SSLRFFAICG

ClinVar aggregate classification (germline): Uncertain significance. Review status: criteria provided, multiple submitters, no conflicts (2 of 4 stars). 11 submissions from 11 submitters: Uncertain significance (11). Last evaluated 2026-07-01.

Conditions:
Central core myopathy (CMYO1A). Also called: Central core disease; Myopathy, central fibrillar; CONGENITAL MYOPATHY 1A, AUTOSOMAL DOMINANT, WITH SUSCEPTIBILITY TO MALIGNANT HYPERTHERMIA. Identifiers: Orphanet 597, MedGen C5830701, MONDO:0007294, OMIM 117000.
Malignant hyperthermia, susceptibility to, 1 (MHS1). Also called: Malignant hyperthermia suceptibility 1; RYR1-Related Malignant Hyperthermia Susceptibility; Anesthesia related hyperthermia; Malignant hyperpyrexia; Fulminating hyperpyrexia; Pharmacogenic myopathy. Identifiers: Orphanet 423, MedGen C2930980, MONDO:0007783, OMIM 145600.
King Denborough syndrome (KDS). Identifiers: MedGen C1840365, MONDO:0020485, OMIM 619542.
Congenital myopathy with fiber type disproportion. Also called: Congenital fiber-type disproportion; Congenital fiber-type disproportion myopathy. Identifiers: Orphanet 2020, MedGen C0546264, MONDO:0009711. Inheritance: all.
Congenital multicore myopathy with external ophthalmoplegia (CMYO1B). Also called: Congenital myopathy 1B, autosomal recessive; Minicore myopathy; MULTICORE MYOPATHY; MULTIMINICORE DISEASE WITH EXTERNAL OPHTHALMOPLEGIA; Minicore myopathy with external ophthalmoplegia. Identifiers: Orphanet 598, Orphanet 98905, MedGen C1850674, MONDO:0009712, OMIM 255320, HP:0003789.
RYR1-related disorder. Also called: RYR1-related condition; RYR1-related disorders. Identifiers: MedGen CN239331.

Allele frequency attached by ClinVar (database versions not stated): gnomAD exomes 0.00005 and 0.00013; gnomAD 0.00006; TOPMed 0.00008; ExAC 0.00012.

Submissions (11):

CeGaT Center for Human Genetics Tuebingen
Classification: Uncertain significance. Last evaluated: 2026-07-01. Review status: criteria provided, single submitter. Criteria: CeGaT Center For Human Genetics Tuebingen Variant Classification Criteria Version 2. Collection method: clinical testing. Allele origin: germline. Affected: yes. Observed: 2 variant alleles.
Comment: RYR1: PM2:Supporting, PM3:Supporting, PP3

Women's Health and Genetics/Laboratory Corporation of America, LabCorp
Classification: Uncertain significance. Last evaluated: 2026-02-04. Review status: criteria provided, single submitter. Criteria: LabCorp Variant Classification Summary - May 2015. Collection method: clinical testing. Allele origin: germline.
Comment: Variant summary: RYR1 c.3619G>A (p.Val1207Met) results in a conservative amino acid change located in the B30.2/SPRY domain (IPR001870) of the encoded protein sequence. Algorithms developed to predict the effect of missense changes on protein structure and function are either unavailable or do not agree on the potential impact of this missense change. The variant allele was found at a frequency of 0.00013 in 251420 control chromosomes. This frequency is not significantly higher than estimated for disease-causing variants in RYR1, allowing no conclusion about variant significance. c.3619G>A has been reported in the literature in at least one compound heterozygous individual affected with core-rod myopathy (e.g., Garibaldi_2019) and one homozygous individual affected with distal arthrogryposis (e.g., Shamseldin_2021). These data indicate that the variant may be associated with autosomal recessive disease. At least one publication reports experimental evidence evaluating an impact on protein function, finding an 80% reduction in RyR1 protein levels in a muscle biopsy from a compound heterozgyous patient relative to the control; this finding does not allow convincing conclusions about the variant effect as the measurement was conducted only in the presence of a second RYR1 variant (e.g., Garibaldi_2019). The following publications have been ascertained in the context of this evaluation (PMID: 30611313, 24627108, 34645488, 34316023). ClinVar contains an entry for this variant (Variation ID: 544419). Based on the evidence outlined above, the variant was classified as VUS-possibly pathogenic.

GeneDx
Classification: Uncertain significance. Last evaluated: 2025-12-21. Review status: criteria provided, single submitter. Criteria: GeneDx Variant Classification Process June 2021. Collection method: clinical testing. Allele origin: germline.
Comment: Previously reported with a second RYR1 variant on the opposite allele in a proband with cone-rod myopathy, hypotonia, feeding problems, hip dysplasia club feet, scoliosis, and achiiles retraction; RYR1 expression of patient muscle protein was decreased compared to control by western blot (PMID: 30611313); In silico analysis suggests that this missense variant does not alter protein structure/function; This variant is associated with the following publications: (PMID: 30611313, 24627108, 37021041, 34645488, 34316023, 37644014, 39742415)

Labcorp Genetics (formerly Invitae), Labcorp
Classification: Uncertain significance for RYR1-related disorder. Last evaluated: 2025-01-01. Review status: criteria provided, single submitter. Criteria: Invitae Variant Classification Sherloc (09022015). Collection method: clinical testing. Allele origin: germline.
Comment: This sequence change replaces valine, which is neutral and non-polar, with methionine, which is neutral and non-polar, at codon 1207 of the RYR1 protein (p.Val1207Met). This variant is present in population databases (rs760235443, gnomAD 0.05%). This missense change has been observed in individual(s) with clinical features of autosomal recessive RYR1-related conditions (PMID: 30611313, 34645488). ClinVar contains an entry for this variant (Variation ID: 544419). Invitae Evidence Modeling of protein sequence and biophysical properties (such as structural, functional, and spatial information, amino acid conservation, physicochemical variation, residue mobility, and thermodynamic stability) has been performed for this missense variant. However, the output from this modeling did not meet the statistical confidence thresholds required to predict the impact of this variant on RYR1 protein function. In summary, the available evidence is currently insufficient to determine the role of this variant in disease. Therefore, it has been classified as a Variant of Uncertain Significance.

All of Us Research Program, National Institutes of Health
Classification: Uncertain significance for Malignant hyperthermia, susceptibility to, 1. Last evaluated: 2024-08-13. Review status: criteria provided, single submitter. Criteria: ACMG Guidelines, 2015. Collection method: clinical testing. Allele origin: germline. Inheritance: Autosomal dominant inheritance. Observed: 26 variant alleles, 26 heterozygotes.
Comment: This missense variant replaces valine with methionine at codon 1207 of the RYR1 protein. Computational prediction suggests that this variant may have deleterious impact on protein structure and function (internally defined REVEL score threshold >= 0.7, PMID: 27666373). To our knowledge, functional studies have not been reported for this variant. This variant has not been reported in individuals affected with autosomal dominant malignant hyperthermia in the literature, although it has been observed in individuals affected with other phenotype(s) (ClinVar Variation ID: 544419; PMID: 30611313). This variant has been identified in 34/282788 chromosomes in the general population by the Genome Aggregation Database (gnomAD). Due to insufficient evidence, this variant is classified as a Variant of Uncertain Significance for autosomal dominant malignant hyperthermia.

This study involves interpretation of variants in research participants for the purpose of population health screening. Participant phenotype was not available at the time of variant classification. Additional details can be found in publication PMID: 35346344, PMCID: PMC8962531

Color Diagnostics, LLC DBA Color Health
Classification: Uncertain significance for Malignant hyperthermia, susceptibility to, 1. Last evaluated: 2024-06-05. Review status: criteria provided, single submitter. Criteria: ACMG Guidelines, 2015. Collection method: clinical testing. Allele origin: germline.
Comment: This missense variant replaces valine with methionine at codon 1207 of the RYR1 protein. Computational prediction is inconclusive regarding the impact of this variant on protein structure and function. To our knowledge, functional studies have not been reported for this variant. This variant has not been reported in individuals affected with autosomal dominant malignant hyperthermia in the literature, although it has been observed in individuals affected with other phenotype(s) (ClinVar Variation ID: 544419PMID: 30611313, 34645488). This variant has been identified in 34/282788 chromosomes in the general population by the Genome Aggregation Database (gnomAD). Due to insufficient evidence, this variant is classified as a Variant of Uncertain Significance for autosomal dominant malignant hyperthermia.

Genomic Medicine Center of Excellence, King Faisal Specialist Hospital and Research Centre
Classification: Uncertain significance for Central core myopathy. Last evaluated: 2024-03-26. Review status: criteria provided, single submitter. Criteria: ACMG Guidelines, 2015. Collection method: clinical testing. Allele origin: germline.

Baylor Genetics
Classification: Uncertain significance for Malignant hyperthermia, susceptibility to, 1. Last evaluated: 2023-08-18. Review status: criteria provided, single submitter. Criteria: ACMG Guidelines, 2015. Collection method: clinical testing. Allele origin: unknown.

Fulgent Genetics
Classification: Uncertain significance for Central core myopathy; Malignant hyperthermia, susceptibility to, 1; Congenital myopathy 4A, autosomal dominant; Congenital multicore myopathy with external ophthalmoplegia; King Denborough syndrome. Last evaluated: 2021-07-02. Review status: criteria provided, single submitter. Criteria: ACMG Guidelines, 2015. Collection method: clinical testing. Allele origin: unknown.

Revvity Omics, Revvity
Classification: Uncertain significance. Last evaluated: 2021-05-10. Review status: criteria provided, single submitter. Criteria: ACMG Guidelines, 2015. Collection method: clinical testing. Allele origin: germline.

Athena Diagnostics
Classification: Uncertain significance. Last evaluated: 2018-07-25. Review status: criteria provided, single submitter. Criteria: Athena Diagnostics Criteria. Collection method: clinical testing. Allele origin: germline.

Literature cited by the submitters: PubMed 24627108 (cited by Women's Health and Genetics/Laboratory Corporation of America, LabCorp and Athena Diagnostics); PubMed 34645488 (cited by Women's Health and Genetics/Laboratory Corporation of America, LabCorp and Labcorp Genetics (formerly Invitae), Labcorp); PubMed 30611313 (cited by 3 submitters); PubMed 34316023 (cited by Women's Health and Genetics/Laboratory Corporation of America, LabCorp).